The following is an entry in ClinVar:

NM_006361.6(HOXB13):c.271C>G (p.Arg91Gly)

Gene: HOXB13 (homeobox B13; minus strand). Cytogenetic location: 17q21.32.
Variant type: single nucleotide variant.
Coding change: c.271C>G on transcript NM_006361.6 (MANE Select); coding-DNA position 271, C replaced by G.
Protein change: p.Arg91Gly; replaces arginine 91 with glycine.
Molecular consequence: missense variant.
Genome position (GRCh38, 1-based): chr17:48,728,323, G>C on the plus strand (C>G on the coding strand, the complement: HOXB13 is on the minus strand). VCF-style: chr17-48728323-G-C. GRCh37 (hg19) VCF-style: chr17-46805685-G-C.
Other names: short protein forms R91G.
Identifiers: ClinVar variation 690685 (VCV000690685.7), dbSNP rs749195398, ClinGen allele CA400107793.

ClinVar aggregate classification (germline): Uncertain significance. Review status: criteria provided, single submitter (1 of 4 stars). 2 submissions from 2 submitters: Uncertain significance (1). 1 of the submissions does not count toward it. Last evaluated 2024-03-19.

Conditions:
Prostate cancer, hereditary, 1 (HPC1). Identifiers: Orphanet 1331, MedGen C4722327, MONDO:0011098, OMIM 601518.

Submissions (2):

Labcorp Genetics (formerly Invitae), Labcorp
Classification: Uncertain significance. Last evaluated: 2024-03-19. Review status: criteria provided, single submitter. Criteria: Invitae Variant Classification Sherloc (09022015). Collection method: clinical testing. Allele origin: germline.
Comment: This sequence change replaces arginine, which is basic and polar, with glycine, which is neutral and non-polar, at codon 91 of the HOXB13 protein (p.Arg91Gly). This variant is not present in population databases (gnomAD no frequency). This variant has not been reported in the literature in individuals affected with HOXB13-related conditions. ClinVar contains an entry for this variant (Variation ID: 690685). Advanced modeling of protein sequence and biophysical properties (such as structural, functional, and spatial information, amino acid conservation, physicochemical variation, residue mobility, and thermodynamic stability) performed at Invitae indicates that this missense variant is not expected to disrupt HOXB13 protein function with a negative predictive value of 80%. In summary, the available evidence is currently insufficient to determine the role of this variant in disease. Therefore, it has been classified as a Variant of Uncertain Significance.

Laboratory of Virology, Microbiology,  Quality and Medical Biotechnologies, Faculty of Sciences and Techniques - Mohammedia, Hassan II University of Casablanca
Classification: Uncertain significance for Prostate cancer, hereditary, 1. Review status: no assertion criteria provided. Collection method: clinical testing. Allele origin: somatic. Affected: yes. Not counted in ClinVar's aggregate classification.